The following is an entry in ClinVar:

NM_002485.5(NBN):c.666C>T (p.Phe222=)

Gene: NBN (nibrin; minus strand). Cytogenetic location: 8q21.3.
Variant type: single nucleotide variant.
Coding change: c.666C>T on transcript NM_002485.5 (MANE Select); coding-DNA position 666, C replaced by T.
Protein change: p.Phe222=; no amino-acid change (phenylalanine 222 retained).
Molecular consequence: synonymous variant.
Genome position (GRCh38, 1-based): chr8:89,971,209, G>A on the plus strand (C>T on the coding strand, the complement: NBN is on the minus strand). VCF-style: chr8-89971209-G-A. GRCh37 (hg19) VCF-style: chr8-90983437-G-A.
Other names: c.420C>T, p.Phe140= (NM_001024688.3).
Identifiers: ClinVar variation 234580 (VCV000234580.23), dbSNP rs876661098, ClinGen allele CA10577368.

ClinVar aggregate classification (germline): Conflicting classifications of pathogenicity. Review status: criteria provided, conflicting classifications (1 of 4 stars). 6 submissions from 6 submitters: Uncertain significance (1); Likely benign (4). 1 of the submissions does not count toward it. Last evaluated 2024-07-22.

Conditions:
Hereditary cancer-predisposing syndrome. Also called: Tumor predisposition; Hereditary Cancer Syndrome; Hereditary neoplastic syndrome; Neoplastic Syndromes, Hereditary. Identifiers: Orphanet 140162, MedGen C0027672, MeSH D009386, MONDO:0015356.
Microcephaly, normal intelligence and immunodeficiency (NBS). Also called: IMMUNODEFICIENCY, MICROCEPHALY, AND CHROMOSOMAL INSTABILITY; SEEMANOVA SYNDROME II; Nijmegen breakage syndrome; Microcephaly with normal intelligence immunodeficiency and lymphoreticular malignancies; Nonsyndromal microcephaly autosomal recessive with normal intelligence; Seemanova syndrome 2. Identifiers: Orphanet 647, MedGen C0398791, MONDO:0009623, OMIM 251260.

Allele frequency attached by ClinVar (database versions not stated): gnomAD exomes below 0.00001 and 0.00001.
gnomAD v4.1: 2 of 1,613,044 alleles (0.00012%); highest among the groups gnomAD compares: Admixed American, 0.0033%; no homozygotes.

Submissions (6):

GeneDx
Classification: Uncertain significance. Last evaluated: 2024-07-22. Review status: criteria provided, single submitter. Criteria: GeneDx Variant Classification Process June 2021. Collection method: clinical testing. Allele origin: germline. Affected: yes.
Comment: Not observed at significant frequency in large population cohorts (gnomAD); In silico analysis indicates that this variant does not alter splicing; Has not been previously published as pathogenic or benign to our knowledge

Labcorp Genetics (formerly Invitae), Labcorp
Classification: Likely benign for Microcephaly, normal intelligence and immunodeficiency. Last evaluated: 2024-06-11. Review status: criteria provided, single submitter. Criteria: Invitae Variant Classification Sherloc (09022015). Collection method: clinical testing. Allele origin: germline.

Women's Health and Genetics/Laboratory Corporation of America, LabCorp
Classification: Likely benign. Last evaluated: 2022-12-15. Review status: criteria provided, single submitter. Criteria: LabCorp Variant Classification Summary - May 2015. Collection method: clinical testing. Allele origin: germline.

Genome-Nilou Lab
Classification: Likely benign for Microcephaly, normal intelligence and immunodeficiency. Last evaluated: 2021-11-07. Review status: criteria provided, single submitter. Criteria: ACMG Guidelines, 2015. Collection method: clinical testing. Allele origin: germline. Affected: no.

Ambry Genetics
Classification: Likely benign for Hereditary cancer-predisposing syndrome. Last evaluated: 2021-05-17. Review status: criteria provided, single submitter. Criteria: Ambry Variant Classification Scheme 2023. Collection method: clinical testing. Allele origin: germline.

Natera, Inc.
Classification: Uncertain significance for Nijmegen breakage syndrome. Last evaluated: 2020-03-10. Review status: no assertion criteria provided. Collection method: clinical testing. Allele origin: germline. Not counted in ClinVar's aggregate classification.